The following is an entry in ClinVar:

ClinVar aggregate classification (germline): Uncertain significance (1 of 4 stars; one submission).

Allele frequency attached by ClinVar (database versions not stated): gnomAD exomes 0.00001.
gnomAD v4.1: 11 of 1,614,168 alleles (0.00068%); highest among the groups gnomAD compares: Non-Finnish European, 0.00093%; no homozygotes.

Submission:

Labcorp Genetics (formerly Invitae), Labcorp
Classification: Uncertain significance. Last evaluated: 2024-05-30. Review status: criteria provided, single submitter. Criteria: Invitae Variant Classification Sherloc (09022015). Collection method: clinical testing. Allele origin: germline.
Comment: This sequence change replaces histidine, which is basic and polar, with tyrosine, which is neutral and polar, at codon 401 of the PCK1 protein (p.His401Tyr). This variant is not present in population databases (gnomAD no frequency). This variant has not been reported in the literature in individuals affected with PCK1-related conditions. ClinVar contains an entry for this variant (Variation ID: 1407991). Advanced modeling of protein sequence and biophysical properties (such as structural, functional, and spatial information, amino acid conservation, physicochemical variation, residue mobility, and thermodynamic stability) performed at Invitae indicates that this missense variant is expected to disrupt PCK1 protein function with a positive predictive value of 80%. In summary, the available evidence is currently insufficient to determine the role of this variant in disease. Therefore, it has been classified as a Variant of Uncertain Significance.

NM_002591.4(PCK1):c.1201C>T (p.His401Tyr)

Gene: PCK1 (phosphoenolpyruvate carboxykinase 1; plus strand). Cytogenetic location: 20q13.31.
Variant type: single nucleotide variant.
Coding change: c.1201C>T on transcript NM_002591.4 (MANE Select); coding-DNA position 1201, C replaced by T.
Protein change: p.His401Tyr; replaces histidine 401 with tyrosine.
Molecular consequence: missense variant.
Genome position (GRCh38, 1-based): chr20:57,564,496, C>T. VCF-style: chr20-57564496-C-T. GRCh37 (hg19) VCF-style: chr20-56139552-C-T.
Other names: short protein forms H401Y.
Identifiers: ClinVar variation 1407991 (VCV001407991.6), dbSNP rs2070184604, ClinGen allele CA409436639.